The following is an entry in ClinVar:

NM_001040436.3(YARS2):c.1356A>G (p.Gln452=)

Gene: YARS2 (tyrosyl-tRNA synthetase 2; minus strand). Cytogenetic location: 12p11.21.
Variant type: single nucleotide variant.
Coding change: c.1356A>G on transcript NM_001040436.3 (MANE Select); coding-DNA position 1356, A replaced by G.
Protein change: p.Gln452=; no amino-acid change (glutamine 452 retained).
Molecular consequence: synonymous variant.
Genome position (GRCh38, 1-based): chr12:32,747,282, T>C on the plus strand (A>G on the coding strand, the complement: YARS2 is on the minus strand). VCF-style: chr12-32747282-T-C. GRCh37 (hg19) VCF-style: chr12-32900216-T-C.
Other names: p.Gln452=.
Identifiers: ClinVar variation 308451 (VCV000308451.20), dbSNP rs148729348, ClinGen allele CA6507914.
Genomic context (GRCh38, chr12:32,747,282, plus strand): 5'-TATAATGTAGAAATTTCTTTTTCCTATTTTAAGTAAGGAAAGTCCATTCTTGAGAATATG[T>C]TGTCCAACAATTAAAACACTCTCAGGATTTGTTACTTGTTGGTGATTTATGCTGACTCCG-3'
Protein context (NP_001035526.1, residues 442-462): TNPESVLIVG[Gln452=]HILKNGLSLL

ClinVar aggregate classification (germline): Benign/Likely benign. Review status: criteria provided, multiple submitters, no conflicts (2 of 4 stars). 6 submissions from 6 submitters: Benign (5); Likely benign (1). Last evaluated 2026-01-21.

Conditions:
Myopathy, lactic acidosis, and sideroblastic anemia 2 (MLASA2). Identifiers: Orphanet 2598, MedGen C3150802, MONDO:0013307, OMIM 613561.

Allele frequency attached by ClinVar (database versions not stated): gnomAD exomes 0.00087 and 0.00216; ExAC 0.00263; gnomAD 0.00910 and 0.00975; ESP Exome Variant Server 0.00946; TOPMed 0.00988; 1000 Genomes Project 0.01058; 1000 Genomes Project 30x 0.01124.
gnomAD v4.1: 2,722 of 1,614,020 alleles (0.17%); highest among the groups gnomAD compares: African/African-American, 3.3%; 42 homozygotes.

Submissions (6):

Labcorp Genetics (formerly Invitae), Labcorp
Classification: Benign. Last evaluated: 2026-01-21. Review status: criteria provided, single submitter. Criteria: Invitae Variant Classification Sherloc (09022015). Collection method: clinical testing. Allele origin: germline.

Mayo Clinic Laboratories, Mayo Clinic
Classification: Benign. Last evaluated: 2024-10-15. Review status: criteria provided, single submitter. Criteria: ACMG Guidelines, 2015. Collection method: clinical testing. Allele origin: germline. Observed: 11 variant alleles.
Comment: BA1, BP4, BP7

Genome-Nilou Lab
Classification: Benign for Myopathy, lactic acidosis, and sideroblastic anemia 2. Last evaluated: 2021-12-05. Review status: criteria provided, single submitter. Criteria: ACMG Guidelines, 2015. Collection method: clinical testing. Allele origin: germline. Affected: no.

Illumina Laboratory Services, Illumina
Classification: Benign for Myopathy, lactic acidosis, and sideroblastic anemia 2. Last evaluated: 2018-01-12. Review status: criteria provided, single submitter. Criteria: ICSL Variant Classification Criteria 13 December 2019. Collection method: clinical testing. Allele origin: germline.
Comment: This variant was observed in the ICSL laboratory as part of a predisposition screen in an ostensibly healthy population. It had not been previously curated by ICSL or reported in the Human Gene Mutation Database (HGMD: prior to June 1st, 2018), and was therefore a candidate for classification through an automated scoring system. Utilizing variant allele frequency, disease prevalence and penetrance estimates, and inheritance mode, an automated score was calculated to assess if this variant is too frequent to cause the disease. Based on the score and internal cut-off values, a variant classified as benign is not then subjected to further curation. The score for this variant resulted in a classification of benign for this disease.

GeneDx
Classification: Benign. Last evaluated: 2015-03-03. Review status: criteria provided, single submitter. Criteria: GeneDx Variant Classification Process June 2021. Collection method: clinical testing. Allele origin: germline. Affected: yes.

Breakthrough Genomics
Classification: Likely benign. Review status: criteria provided, single submitter. Criteria: ACMG Guidelines, 2015. Collection method: not provided. Allele origin: germline. Inheritance: Autosomal recessive inheritance. Affected: yes.